The following is an entry in ClinVar:

ClinVar aggregate classification (germline): Benign. Review status: criteria provided, multiple submitters, no conflicts (2 of 4 stars). 11 submissions from 11 submitters: Benign (9). 2 of the submissions do not count toward it. Last evaluated 2026-02-04.

Conditions:
Autosomal dominant pseudohypoaldosteronism type 1. Also called: Pseudohypoaldosteronism, Type I, Dominant; PHA I, AUTOSOMAL DOMINANT; Pseudohypoaldosteronism, Type I, Autosomal Dominant. Identifiers: Orphanet 171871, Orphanet 756, MedGen C1449842, MONDO:0008329, OMIM 177735.

Allele frequency attached by ClinVar (database versions not stated): gnomAD 0.88922 and 0.89028; 1000 Genomes Project 30x 0.89022; 1000 Genomes Project 0.89197; ESP Exome Variant Server 0.89759; gnomAD exomes 0.87665 and 0.88277; TOPMed 0.88014; ExAC 0.88116.
gnomAD v4.1: 1,426,366 of 1,614,056 alleles (88%); highest among the groups gnomAD compares: Middle Eastern, 92%; 630,883 homozygotes.

Submissions (11):

Labcorp Genetics (formerly Invitae), Labcorp
Classification: Benign. Last evaluated: 2026-02-04. Review status: criteria provided, single submitter. Criteria: Invitae Variant Classification Sherloc (09022015). Collection method: clinical testing. Allele origin: germline.

Blueprint Genetics
Classification: Benign. Last evaluated: 2024-11-26. Review status: criteria provided, single submitter. Criteria: ACMG Guidelines, 2015. Collection method: clinical testing. Allele origin: germline.

Mayo Clinic Laboratories, Mayo Clinic
Classification: Benign. Last evaluated: 2022-09-23. Review status: criteria provided, single submitter. Criteria: ACMG Guidelines, 2015. Collection method: clinical testing. Allele origin: germline. Observed: 172 variant alleles.
Comment: BA1, BP4

Genome-Nilou Lab
Classification: Benign for Autosomal dominant pseudohypoaldosteronism type 1. Last evaluated: 2021-09-05. Review status: criteria provided, single submitter. Criteria: ACMG Guidelines, 2015. Collection method: clinical testing. Allele origin: germline. Affected: no.

GeneDx
Classification: Benign. Last evaluated: 2018-11-12. Review status: criteria provided, single submitter. Criteria: GeneDx Variant Classification Process June 2021. Collection method: clinical testing. Allele origin: germline. Affected: yes.
Comment: This variant is associated with the following publications: (PMID: 28249922, 12483305, 18468809, 19955850, 22584804, 22407082)

Illumina Laboratory Services, Illumina
Classification: Benign for Autosomal dominant pseudohypoaldosteronism type 1. Last evaluated: 2018-03-06. Review status: criteria provided, single submitter. Criteria: ICSL Variant Classification Criteria 13 December 2019. Collection method: clinical testing. Allele origin: germline.
Comment: This variant was observed in the ICSL laboratory as part of a predisposition screen in an ostensibly healthy population. It had not been previously curated by ICSL or reported in the Human Gene Mutation Database (HGMD: prior to June 1st, 2018), and was therefore a candidate for classification through an automated scoring system. Utilizing variant allele frequency, disease prevalence and penetrance estimates, and inheritance mode, an automated score was calculated to assess if this variant is too frequent to cause the disease. Based on the score and internal cut-off values, a variant classified as benign is not then subjected to further curation. The score for this variant resulted in a classification of benign for this disease.

Laboratory for Molecular Medicine, Mass General Brigham Personalized Medicine
Classification: Benign. Last evaluated: 2016-03-21. Review status: criteria provided, single submitter. Criteria: LMM Criteria. Collection method: clinical testing. Allele origin: germline. Observed: 1 variant allele.
Comment: p.Val180Ile in exon 2 of NR3C2: This variant is not expected to have clinical si gnificance because it has been identified in 91.35% (6042/6614) of Finnish chrom osomes by the Exome Aggregation Consortium (ExAC ; dbSNP rs5522).

Breakthrough Genomics
Classification: Benign. Review status: criteria provided, single submitter. Criteria: ACMG Guidelines, 2015. Collection method: not provided. Allele origin: germline. Inheritance: Autosomal dominant inheritance. Affected: yes.

PreventionGenetics, part of Exact Sciences
Classification: Benign. Review status: criteria provided, single submitter. Criteria: ACMG Guidelines, 2015. Collection method: clinical testing. Allele origin: germline.

Diagnostic Laboratory, Department of Genetics, University Medical Center Groningen
Classification: Benign. Review status: no assertion criteria provided. Collection method: clinical testing. Allele origin: germline. Affected: yes. Study: VKGL Data-share Consensus. Not counted in ClinVar's aggregate classification.

Joint Genome Diagnostic Labs from Nijmegen and Maastricht, Radboudumc and MUMC+
Classification: Benign. Review status: no assertion criteria provided. Collection method: clinical testing. Allele origin: germline. Affected: yes. Study: VKGL Data-share Consensus. Not counted in ClinVar's aggregate classification.

NM_000901.5(NR3C2):c.538G>A (p.Val180Ile)

Gene: NR3C2 (nuclear receptor subfamily 3 group C member 2; minus strand). Cytogenetic location: 4q31.23.
Variant type: single nucleotide variant.
Coding change: c.538G>A on transcript NM_000901.5 (MANE Select); coding-DNA position 538, G replaced by A.
Protein change: p.Val180Ile; replaces valine 180 with isoleucine.
Molecular consequence: missense variant. On other transcripts: non-coding transcript variant (1).
Genome position (GRCh38, 1-based): chr4:148,436,323, C>T on the plus strand (G>A on the coding strand, the complement: NR3C2 is on the minus strand). VCF-style: chr4-148436323-C-T. GRCh37 (hg19) VCF-style: chr4-149357475-C-T.
Other names: c.538G>A, p.Val180Ile (NM_001166104.2, NM_001354819.1); short protein forms V180I.
Identifiers: ClinVar variation 256832 (VCV000256832.30), dbSNP rs5522, ClinGen allele CA3100448.